The following is an entry in ClinVar:

NM_172107.4(KCNQ2):c.716G>A (p.Gly239Asp)

Gene: KCNQ2 (potassium voltage-gated channel subfamily Q member 2; minus strand). Cytogenetic location: 20q13.33.
Variant type: single nucleotide variant.
Coding change: c.716G>A on transcript NM_172107.4 (MANE Select); coding-DNA position 716, G replaced by A.
Protein change: p.Gly239Asp; replaces glycine 239 with aspartic acid.
Molecular consequence: missense variant.
Genome position (GRCh38, 1-based): chr20:63,442,506, C>T on the plus strand (G>A on the coding strand, the complement: KCNQ2 is on the minus strand). VCF-style: chr20-63442506-C-T. GRCh37 (hg19) VCF-style: chr20-62073859-C-T.
Other names: c.716G>A, p.Gly239Asp (NM_001382235.1, NM_001439003.1, NM_001439004.1 and 4 more transcripts); short protein forms G239D.
Identifiers: ClinVar variation 4803158 (VCV004803158.1).

ClinVar aggregate classification (germline): Likely pathogenic (1 of 4 stars; one submission).

Conditions:
Early-infantile DEE. Also called: Early infantile epileptic encephalopathy; Early infantile epileptic encephalopathy with suppression bursts; Ohtahara syndrome. Identifiers: Orphanet 1934, MedGen C0393706, MONDO:0800491.

Submission:

Labcorp Genetics (formerly Invitae), Labcorp
Classification: Likely pathogenic for Early-infantile DEE. Last evaluated: 2025-07-06. Review status: criteria provided, single submitter. Criteria: Invitae Variant Classification Sherloc (09022015). Collection method: clinical testing. Allele origin: germline.
Comment: This sequence change replaces glycine, which is neutral and non-polar, with aspartic acid, which is acidic and polar, at codon 239 of the KCNQ2 protein (p.Gly239Asp). This variant is not present in population databases (gnomAD no frequency). This variant has not been reported in the literature in individuals affected with KCNQ2-related conditions. Invitae Evidence Modeling of protein sequence and biophysical properties (such as structural, functional, and spatial information, amino acid conservation, physicochemical variation, residue mobility, and thermodynamic stability) indicates that this missense variant is expected to disrupt KCNQ2 protein function with a positive predictive value of 95%. This variant disrupts the p.Gly239 amino acid residue in KCNQ2. Other variant(s) that disrupt this residue have been determined to be pathogenic (PMID: 38241158). This suggests that this residue is clinically significant, and that variants that disrupt this residue are likely to be disease-causing. In summary, the currently available evidence indicates that the variant is pathogenic, but additional data are needed to prove that conclusively. Therefore, this variant has been classified as Likely Pathogenic.

Literature cited by the submitters: PubMed 38241158.